The following is an entry in ClinVar:

NM_000138.5(FBN1):c.3082+5A>G

Gene: FBN1 (fibrillin 1; minus strand). Cytogenetic location: 15q21.1.
Variant type: single nucleotide variant.
Coding change: c.3082+5A>G on transcript NM_000138.5 (MANE Select); 5 bases into the intron after coding-DNA position 3082, A replaced by G.
Molecular consequence: intron variant.
Genome position (GRCh38, 1-based): chr15:48,489,846, T>C on the plus strand (A>G on the coding strand, the complement: FBN1 is on the minus strand). VCF-style: chr15-48489846-T-C. GRCh37 (hg19) VCF-style: chr15-48782043-T-C.
Other names: c.3082+5A>G (NM_001406716.1).
Identifiers: ClinVar variation 3075144 (VCV003075144.1), dbSNP rs2505557438, ClinGen allele CA2825002284.

ClinVar aggregate classification (germline): Uncertain significance (1 of 4 stars; one submission).

Conditions:
Marfan syndrome (MFS). Also called: MARFAN SYNDROME, TYPE I; Marfan syndrome type 1; Marfan's syndrome; Marfan syndrome, classic; FBN1-Related Marfan Syndrome. Identifiers: Orphanet 284963, Orphanet 558, MedGen C0024796, MONDO:0007947, OMIM 154700.

Submission:

All of Us Research Program, National Institutes of Health
Classification: Uncertain significance for Marfan syndrome. Last evaluated: 2023-12-18. Review status: criteria provided, single submitter. Criteria: ACMG Guidelines, 2015. Collection method: clinical testing. Allele origin: germline. Inheritance: Autosomal dominant inheritance. Observed: 1 variant allele, 1 heterozygote.
Comment: This variant causes an A to G nucleotide substitution at the +5 position of intron 25 of the FBN1 gene. To our knowledge, functional studies have not been reported for this variant. This variant has not been reported in individuals affected with FBN1-related disorders in the literature. This variant has not been identified in the general population by the Genome Aggregation Database (gnomAD). The available evidence is insufficient to determine the role of this variant in disease conclusively. Therefore, this variant is classified as a Variant of Uncertain Significance.

This study involves interpretation of variants in research participants for the purpose of population health screening. Participant phenotype was not available at the time of variant classification. Additional details can be found in publication PMID: 35346344, PMCID: PMC8962531